The following is an entry in ClinVar:

NM_000044.6(AR):c.2319_2321dup (p.Tyr774Ter)

Gene: AR (androgen receptor; plus strand). Cytogenetic location: Xq12.
Variant type: Duplication.
Coding change: c.2319_2321dup on transcript NM_000044.6 (MANE Select); coding-DNA positions 2319 to 2321, 3 bases duplicated (GTA; older notation c.2319_2321dupGTA).
Protein change: p.Tyr774Ter; replaces tyrosine 774 with a stop codon.
Molecular consequence: nonsense.
Genome position (GRCh38, 1-based): chrX:67,721,833-67,721,835, GTA duplicated. VCF-style (leftmost placement, unchanged base first): chrX-67721832-G-GGTA. GRCh37 (hg19) VCF-style: chrX-66941674-G-GGTA.
Other names: c.723_725dup, p.Tyr242Ter (NM_001011645.3); short protein forms Y774*, Y242*.
Identifiers: ClinVar variation 1394063 (VCV001394063.6), dbSNP rs2147535489, ClinGen allele CA2573158998.
Genomic context (GRCh38, chrX:67,721,832, plus strand): 5'-CCCTCTGGGCTTATTGTAAACTTCCCCTCATTCCTTTTTCCTCTGTGTATCTCCTTCCCA[G>GGTA]GTACCGCATGCACAAGTCCCGGATGTACAGCCAGTGTGTCCGAATGAGGCACCTCTCTCA-3'

ClinVar aggregate classification (germline): Pathogenic (1 of 4 stars; one submission).

Conditions:
Kennedy disease (SMAX1). Also called: SPINAL AND BULBAR MUSCULAR ATROPHY, X-LINKED 1; KENNEDY SPINAL AND BULBAR MUSCULAR ATROPHY; Spinal and Bulbar Muscular Atrophy. Identifiers: Orphanet 481, MedGen C1839259, MONDO:0010735, OMIM 313200.
Androgen resistance syndrome (AIS). Also called: Androgen insensitivity, complete; ANDROGEN RECEPTOR DEFICIENCY; DIHYDROTESTOSTERONE RECEPTOR DEFICIENCY; Androgen insensitivity syndrome due to coactivator deficiency; Androgen insensitivity; TESTICULAR FEMINIZATION SYNDROME. Identifiers: Orphanet 754, Orphanet 99429, MedGen C0039585, MONDO:0019154, OMIM 300068. Disease mechanism: loss of function.

Submission:

Labcorp Genetics (formerly Invitae), Labcorp
Classification: Pathogenic for Kennedy disease; Androgen resistance syndrome. Last evaluated: 2021-07-31. Review status: criteria provided, single submitter. Criteria: Invitae Variant Classification Sherloc (09022015). Collection method: clinical testing. Allele origin: germline.
Comment: For these reasons, this variant has been classified as Pathogenic. Algorithms developed to predict the effect of sequence changes on RNA splicing suggest that this variant may create or strengthen a splice site. This variant has not been reported in the literature in individuals affected with AR-related conditions. This variant is not present in population databases (ExAC no frequency). This sequence change creates a premature translational stop signal (p.Tyr774*) in the AR gene. It is expected to result in an absent or disrupted protein product. Loss-of-function variants in AR are known to be pathogenic (PMID: 19463997).

Literature cited by the submitters: PubMed 19463997.